The following is an entry in ClinVar:

ClinVar aggregate classification (germline): Uncertain significance (1 of 4 stars; one submission).

Conditions:
Spastic paraplegia. Identifiers: MedGen C0037772, HP:0001258.

Allele frequency attached by ClinVar (database versions not stated): gnomAD exomes below 0.00001.

Submission:

Labcorp Genetics (formerly Invitae), Labcorp
Classification: Uncertain significance for Spastic paraplegia. Last evaluated: 2023-03-04. Review status: criteria provided, single submitter. Criteria: Invitae Variant Classification Sherloc (09022015). Collection method: clinical testing. Allele origin: germline.
Comment: This sequence change replaces alanine, which is neutral and non-polar, with threonine, which is neutral and polar, at codon 1234 of the KDM5C protein (p.Ala1234Thr). This variant is not present in population databases (gnomAD no frequency). This variant has not been reported in the literature in individuals affected with KDM5C-related conditions. Advanced modeling of protein sequence and biophysical properties (such as structural, functional, and spatial information, amino acid conservation, physicochemical variation, residue mobility, and thermodynamic stability) performed at Invitae indicates that this missense variant is not expected to disrupt KDM5C protein function. In summary, the available evidence is currently insufficient to determine the role of this variant in disease. Therefore, it has been classified as a Variant of Uncertain Significance.

NM_004187.5(KDM5C):c.3700G>A (p.Ala1234Thr)

Gene: KDM5C (lysine demethylase 5C; minus strand). Cytogenetic location: Xp11.22.
Variant type: single nucleotide variant.
Coding change: c.3700G>A on transcript NM_004187.5 (MANE Select); coding-DNA position 3700, G replaced by A.
Protein change: p.Ala1234Thr; replaces alanine 1234 with threonine.
Molecular consequence: missense variant. On other transcripts: non-coding transcript variant (3).
Genome position (GRCh38, 1-based): chrX:53,194,477, C>T on the plus strand (G>A on the coding strand, the complement: KDM5C is on the minus strand). VCF-style: chrX-53194477-C-T. GRCh37 (hg19) VCF-style: chrX-53223659-C-T.
Other names: c.3499G>A, p.Ala1167Thr (NM_001146702.2); c.3697G>A, p.Ala1233Thr (NM_001282622.3, NM_001353979.2, NM_001353982.2); c.3700G>A, p.Ala1234Thr (NM_001353978.3, NM_001353981.2, NM_001353984.2); short protein forms A1233T, A1167T, A1234T.
Identifiers: ClinVar variation 2710203 (VCV002710203.3), dbSNP rs2519374675, ClinGen allele CA413107581.
Genomic context (GRCh38, chrX:53,194,477, plus strand): 5'-GCGGGCGCCTTGAGCGCATACACAGTGGACACAGGAATTTGGTGTCCCATTCCCACCAGG[C>T]CAGCAGTGGGGATGAGGTGGGATTGGGCCTCGGAGAGCTGAGGAGGCGAGGCACTGACAC-3'
Protein context (NP_004178.2, residues 1224-1244): RPNPTSSPLL[Ala1234Thr]WWEWDTKFLC